The following is an entry in ClinVar:

NM_015662.3(IFT172):c.2100G>T (p.Met700Ile)

Gene: IFT172 (intraflagellar transport 172; minus strand). Cytogenetic location: 2p23.3.
Variant type: single nucleotide variant.
Coding change: c.2100G>T on transcript NM_015662.3 (MANE Select); coding-DNA position 2100, G replaced by T.
Protein change: p.Met700Ile; replaces methionine 700 with isoleucine.
Molecular consequence: missense variant.
Genome position (GRCh38, 1-based): chr2:27,462,716, C>A on the plus strand (G>T on the coding strand, the complement: IFT172 is on the minus strand). VCF-style: chr2-27462716-C-A. GRCh37 (hg19) VCF-style: chr2-27685583-C-A.
Other names: c.2034G>T, p.Met678Ile (NM_001410739.1); short protein forms M678I, M700I.
Identifiers: ClinVar variation 1927351 (VCV001927351.6), dbSNP rs1572767380, ClinGen allele CA346385010.

ClinVar aggregate classification (germline): Uncertain significance. Review status: criteria provided, multiple submitters, no conflicts (2 of 4 stars). 2 submissions from 2 submitters: Uncertain significance (2). Last evaluated 2022-11-21.

Conditions:
Short-rib thoracic dysplasia 10 with or without polydactyly (SRTD10). Identifiers: Orphanet 474, MedGen C3810175, MONDO:0014284, OMIM 615630.
Retinitis pigmentosa 71 (RP71). Identifiers: Orphanet 791, MedGen C4225342, MONDO:0014618, OMIM 616394.

Allele frequency attached by ClinVar (database versions not stated): TOPMed below 0.00001; gnomAD 0.00001.
gnomAD v4.1: 8 of 1,613,656 alleles (0.0005%); highest among the groups gnomAD compares: African/African-American, 0.0013%; no homozygotes.

Submissions (2):

Blueprint Genetics
Classification: Uncertain significance. Last evaluated: 2022-11-21. Review status: criteria provided, single submitter. Criteria: ACMG Guidelines, 2015. Collection method: clinical testing. Allele origin: germline.

Labcorp Genetics (formerly Invitae), Labcorp
Classification: Uncertain significance for Retinitis pigmentosa 71; Short-rib thoracic dysplasia 10 with or without polydactyly. Last evaluated: 2022-04-28. Review status: criteria provided, single submitter. Criteria: Invitae Variant Classification Sherloc (09022015). Collection method: clinical testing. Allele origin: germline.
Comment: In summary, the available evidence is currently insufficient to determine the role of this variant in disease. Therefore, it has been classified as a Variant of Uncertain Significance. Algorithms developed to predict the effect of missense changes on protein structure and function (SIFT, PolyPhen-2, Align-GVGD) all suggest that this variant is likely to be tolerated. This variant has not been reported in the literature in individuals affected with IFT172-related conditions. This variant is not present in population databases (gnomAD no frequency). This sequence change replaces methionine, which is neutral and non-polar, with isoleucine, which is neutral and non-polar, at codon 700 of the IFT172 protein (p.Met700Ile).